The following is an entry in ClinVar:

NM_000497.4(CYP11B1):c.1015_1016delinsAT (p.Ala339Ile)

Genes: CYP11B1 (cytochrome P450 family 11 subfamily B member 1; minus strand), LOC106799833 (CYP11B1 recombination region; plus strand). Cytogenetic location: 8q24.3.
Variant type: Indel.
Coding change: c.1015_1016delinsAT on transcript NM_000497.4 (MANE Select); coding-DNA positions 1015 to 1016, GC replaced by AT.
Protein change: p.Ala339Ile; replaces alanine 339 with isoleucine.
Molecular consequence: missense variant.
Genome position (GRCh38, 1-based): chr8:142,875,817-142,875,818, GC replaced by AT on the plus strand (GC replaced by AT on the coding strand, the reverse complement: CYP11B1 is on the minus strand). VCF-style: chr8-142875817-GC-AT. GRCh37 (hg19) VCF-style: chr8-143957233-GC-AT.
Other names: c.1015_1016delGCinsAT (NM_000497.3); c.1015_1016delinsAT, p.Ala339Ile (NM_001026213.1); short protein forms A339I.
Identifiers: ClinVar variation 35979 (VCV000035979.6), dbSNP rs193922535, ClinGen allele CA213648.

ClinVar aggregate classification (germline): Uncertain significance. Review status: criteria provided, multiple submitters, no conflicts (2 of 4 stars). 3 submissions from 3 submitters: Uncertain significance (3). Last evaluated 2025-02-20.

Conditions:
Deficiency of steroid 11-beta-monooxygenase (CYP11B1). Also called: Congenital adrenal hyperplasia due to 11-beta-hydroxylase deficiency; ADRENAL HYPERPLASIA, CONGENITAL, DUE TO STEROID 11-BETA-HYDROXYLASE DEFICIENCY; STEROID 11-BETA-HYDROXYLASE DEFICIENCY; ADRENAL HYPERPLASIA IV; 11-BETA-HYDROXYLASE DEFICIENCY; P450C11B1 DEFICIENCY. Identifiers: Orphanet 90795, MedGen C0268292, MONDO:0008729, OMIM 202010. Disease mechanism: loss of function.
Glucocorticoid-remediable aldosteronism. Also called: FH I; GLUCOCORTICOID-SUPPRESSIBLE HYPERALDOSTERONISM; Hyperaldosteronism, familial, type I; ACTH-DEPENDENT HYPERALDOSTERONISM SYNDROME; ALDOSTERONISM, SENSITIVE TO DEXAMETHASONE. Identifiers: Orphanet 403, MedGen C3838731, MONDO:0007080, OMIM 103900.

Submissions (3):

Labcorp Genetics (formerly Invitae), Labcorp
Classification: Uncertain significance. Last evaluated: 2025-02-20. Review status: criteria provided, single submitter. Criteria: Invitae Variant Classification Sherloc (09022015). Collection method: clinical testing. Allele origin: germline.
Comment: This sequence change replaces alanine, which is neutral and non-polar, with isoleucine, which is neutral and non-polar, at codon 339 of the CYP11B1 protein (p.Ala339Ile). The frequency data for this variant in the population databases is considered unreliable, as metrics indicate poor data quality at this position in the gnomAD database. This variant has not been reported in the literature in individuals affected with CYP11B1-related conditions. ClinVar contains an entry for this variant (Variation ID: 35979). An algorithm developed to predict the effect of missense changes on protein structure and function (PolyPhen-2) suggests that this variant is likely to be tolerated. In summary, the available evidence is currently insufficient to determine the role of this variant in disease. Therefore, it has been classified as a Variant of Uncertain Significance.

Women's Health and Genetics/Laboratory Corporation of America, LabCorp
Classification: Uncertain significance. Last evaluated: 2024-10-08. Review status: criteria provided, single submitter. Criteria: LabCorp Variant Classification Summary - May 2015. Collection method: clinical testing. Allele origin: germline.
Comment: Variant summary: CYP11B1 c.1015_1016delinsAT (p.Ala339Ile) results in a non-conservative amino acid change in the encoded protein sequence. Three of four in-silico tools predict a damaging effect of the variant on protein function. The variant allele was found at a frequency of 4.3e-05 in 282350 control chromosomes. This frequency is not significantly higher than estimated for a pathogenic variant in CYP11B1 causing Congenital Adrenal Hyperplasia (4.3e-05 vs 0.002), allowing no conclusion about variant significance. To our knowledge, no occurrence of c.1015_1016delinsAT in individuals affected with Congenital Adrenal Hyperplasia has been reported. At least one publication reports experimental evidence evaluating an impact on protein function. These results showed no damaging effect of this variant (bottnerb_1998). The following publication has been ascertained in the context of this evaluation (PMID: 9546661). ClinVar contains an entry for this variant (Variation ID: 35979). Based on the evidence outlined above, the variant was classified as uncertain significance.

Fulgent Genetics
Classification: Uncertain significance for Glucocorticoid-remediable aldosteronism; Deficiency of steroid 11-beta-monooxygenase. Last evaluated: 2021-10-27. Review status: criteria provided, single submitter. Criteria: ACMG Guidelines, 2015. Collection method: clinical testing. Allele origin: unknown.

Literature cited by the submitters: PubMed 9546661 (cited by Women's Health and Genetics/Laboratory Corporation of America, LabCorp).